The following is an entry in ClinVar:

ClinVar aggregate classification (germline): Uncertain significance. Review status: criteria provided, multiple submitters, no conflicts (2 of 4 stars). 2 submissions from 2 submitters: Uncertain significance (2). Last evaluated 2022-10-03.

Allele frequency attached by ClinVar (database versions not stated): gnomAD 0.00001 and 0.00002; TOPMed 0.00002.
gnomAD v4.1: 2 of 1,614,124 alleles (0.00012%); highest among the groups gnomAD compares: African/African-American, 0.0027%; no homozygotes.

Submissions (2):

GeneDx
Classification: Uncertain significance. Last evaluated: 2022-10-03. Review status: criteria provided, single submitter. Criteria: GeneDx Variant Classification Process June 2021. Collection method: clinical testing. Allele origin: germline. Affected: yes.
Comment: Not observed at significant frequency in large population cohorts (gnomAD); In silico analysis supports that this missense variant does not alter protein structure/function; Has not been previously published as pathogenic or benign to our knowledge

Labcorp Genetics (formerly Invitae), Labcorp
Classification: Uncertain significance. Last evaluated: 2021-11-10. Review status: criteria provided, single submitter. Criteria: Invitae Variant Classification Sherloc (09022015). Collection method: clinical testing. Allele origin: germline.
Comment: In summary, the available evidence is currently insufficient to determine the role of this variant in disease. Therefore, it has been classified as a Variant of Uncertain Significance. Algorithms developed to predict the effect of missense changes on protein structure and function (SIFT, PolyPhen-2, Align-GVGD) all suggest that this variant is likely to be tolerated. This variant has not been reported in the literature in individuals affected with RNF13-related conditions. This variant is not present in population databases (gnomAD no frequency). This sequence change replaces asparagine, which is neutral and polar, with serine, which is neutral and polar, at codon 346 of the RNF13 protein (p.Asn346Ser).

NM_183381.3(RNF13):c.1037A>G (p.Asn346Ser)

Gene: RNF13 (ring finger protein 13; plus strand). Cytogenetic location: 3q25.1.
Variant type: single nucleotide variant.
Coding change: c.1037A>G on transcript NM_183381.3 (MANE Select); coding-DNA position 1037, A replaced by G.
Protein change: p.Asn346Ser; replaces asparagine 346 with serine.
Molecular consequence: missense variant. On other transcripts: non-coding transcript variant (1).
Genome position (GRCh38, 1-based): chr3:149,960,995, A>G. VCF-style: chr3-149960995-A-G. GRCh37 (hg19) VCF-style: chr3-149678782-A-G.
Other names: c.1037A>G, p.Asn346Ser (NM_001378285.1, NM_001378286.1, NM_007282.4); c.680A>G, p.Asn227Ser (NM_001378287.1, NM_001378288.1, NM_001378289.1 and 2 more transcripts); c.644A>G, p.Asn215Ser (NM_001378291.1); short protein forms N227S, N215S, N346S.
Identifiers: ClinVar variation 1502777 (VCV001502777.7), dbSNP rs1321274958, ClinGen allele CA354936214.